The following is an entry in ClinVar:

ClinVar aggregate classification (germline): Uncertain significance. Review status: criteria provided, multiple submitters, no conflicts (2 of 4 stars). 2 submissions from 2 submitters: Uncertain significance (2). Last evaluated 2024-08-01.

Conditions:
Cardiovascular phenotype. Identifiers: MedGen CN230736.

Allele frequency attached by ClinVar (database versions not stated): TOPMed below 0.00001; gnomAD exomes 0.00005.
gnomAD v4.1: 66 of 1,614,132 alleles (0.0041%); highest among the groups gnomAD compares: Non-Finnish European, 0.0053%; no homozygotes.

Submissions (2):

CeGaT Center for Human Genetics Tuebingen
Classification: Uncertain significance. Last evaluated: 2024-08-01. Review status: criteria provided, single submitter. Criteria: CeGaT Center For Human Genetics Tuebingen Variant Classification Criteria Version 2. Collection method: clinical testing. Allele origin: germline. Affected: yes. Observed: 1 variant allele.
Comment: SCN10A: PM2, PP3

Ambry Genetics
Classification: Uncertain significance for Cardiovascular phenotype. Last evaluated: 2022-04-25. Review status: criteria provided, single submitter. Criteria: Ambry Variant Classification Scheme 2023. Collection method: clinical testing. Allele origin: germline.
Comment: The p.I1718T variant (also known as c.5153T>C), located in coding exon 27 of the SCN10A gene, results from a T to C substitution at nucleotide position 5153. The isoleucine at codon 1718 is replaced by threonine, an amino acid with similar properties. This amino acid position is conserved. In addition, this alteration is predicted to be deleterious by in silico analysis. Since supporting evidence is limited at this time, the clinical significance of this alteration remains unclear.

NM_006514.4(SCN10A):c.5153T>C (p.Ile1718Thr)

Gene: SCN10A (sodium voltage-gated channel alpha subunit 10; minus strand). Cytogenetic location: 3p22.2.
Variant type: single nucleotide variant.
Coding change: c.5153T>C on transcript NM_006514.4 (MANE Select); coding-DNA position 5153, T replaced by C.
Protein change: p.Ile1718Thr; replaces isoleucine 1718 with threonine.
Molecular consequence: missense variant.
Genome position (GRCh38, 1-based): chr3:38,698,067, A>G on the plus strand (T>C on the coding strand, the complement: SCN10A is on the minus strand). VCF-style: chr3-38698067-A-G. GRCh37 (hg19) VCF-style: chr3-38739558-A-G.
Other names: c.5150T>C, p.Ile1717Thr (NM_001293306.2); c.4859T>C, p.Ile1620Thr (NM_001293307.2); short protein forms I1717T, I1718T, I1620T.
Identifiers: ClinVar variation 1745684 (VCV001745684.18), dbSNP rs768502292, ClinGen allele CA72947157.